The following is an entry in ClinVar:

NM_001110556.2(FLNA):c.1828+6T>C

Gene: FLNA (filamin A; minus strand). Cytogenetic location: Xq28.
Variant type: single nucleotide variant.
Coding change: c.1828+6T>C on transcript NM_001110556.2 (MANE Select); 6 bases into the intron after coding-DNA position 1828, T replaced by C.
Molecular consequence: intron variant.
Genome position (GRCh38, 1-based): chrX:154,364,815, A>G on the plus strand (T>C on the coding strand, the complement: FLNA is on the minus strand). VCF-style: chrX-154364815-A-G. GRCh37 (hg19) VCF-style: chrX-153593183-A-G.
Other names: c.1828+6T>C (NM_001456.4).
Identifiers: ClinVar variation 2930566 (VCV002930566.3), dbSNP rs2522755516, ClinGen allele CA2695080257.

ClinVar aggregate classification (germline): Uncertain significance (1 of 4 stars; one submission).

Conditions:
Oto-palato-digital syndrome, type II (OPD2). Also called: Otopalatodigital Syndrome Type 2 (FLNA-OPD2); FACIOPALATOOSSEOUS SYNDROME; OPD II SYNDROME; Otopalatodigital Syndrome, Type II. Identifiers: Orphanet 669, Orphanet 90652, MedGen C1844696, MONDO:0010571, OMIM 304120.
Heterotopia, periventricular, X-linked dominant (PVNH1). Also called: PERIVENTRICULAR NODULAR HETEROTOPIA 1; X-linked periventricular heterotopia; PERIVENTRICULAR NODULAR HETEROTOPIA 4; HETEROTOPIA, PERIVENTRICULAR, 1. Identifiers: Orphanet 2149, Orphanet 82004, MedGen C1848213, MONDO:0010233, OMIM 300049.
Melnick-Needles syndrome (MNS). Also called: Melnick-Needles Syndrome (FLNA-MNS); MELNICK-NEEDLES OSTEODYSPLASTY; OSTEODYSPLASTY OF MELNICK AND NEEDLES. Identifiers: Orphanet 2484, MedGen C0025237, MONDO:0010650, OMIM 309350.
Frontometaphyseal dysplasia (FMD1). Identifiers: Orphanet 1826, MedGen C0265293, MONDO:0015942.

Allele frequency attached by ClinVar (database versions not stated): gnomAD exomes below 0.00001.
gnomAD v4.1: 1 of 1,210,466 alleles (0.000083%); highest among the groups gnomAD compares: South Asian, 0.0018%; no homozygotes.

Submission:

Labcorp Genetics (formerly Invitae), Labcorp
Classification: Uncertain significance for Oto-palato-digital syndrome, type II; Heterotopia, periventricular, X-linked dominant; Frontometaphyseal dysplasia; Melnick-Needles syndrome. Last evaluated: 2022-11-10. Review status: criteria provided, single submitter. Criteria: Invitae Variant Classification Sherloc (09022015). Collection method: clinical testing. Allele origin: germline.
Comment: In summary, the available evidence is currently insufficient to determine the role of this variant in disease. Therefore, it has been classified as a Variant of Uncertain Significance. Variants that disrupt the consensus splice site are a relatively common cause of aberrant splicing (PMID: 17576681, 9536098). Algorithms developed to predict the effect of sequence changes on RNA splicing suggest that this variant may create or strengthen a splice site. This variant has not been reported in the literature in individuals affected with FLNA-related conditions. This variant is not present in population databases (gnomAD no frequency). This sequence change falls in intron 12 of the FLNA gene. It does not directly change the encoded amino acid sequence of the FLNA protein. It affects a nucleotide within the consensus splice site.

Literature cited by the submitters: PubMed 17576681; PubMed 9536098.